The following is an entry in ClinVar:

ClinVar aggregate classification (germline): Pathogenic. Review status: criteria provided, multiple submitters, no conflicts (2 of 4 stars). 2 submissions from 2 submitters: Pathogenic (2). Last evaluated 2026-06-05.

Conditions:
Hereditary cancer-predisposing syndrome. Also called: Neoplastic Syndromes, Hereditary; Tumor predisposition; Hereditary Cancer Syndrome; Hereditary neoplastic syndrome. Identifiers: Orphanet 140162, MedGen C0027672, MeSH D009386, MONDO:0015356.
Familial cancer of breast. Also called: BREAST CANCER, FAMILIAL; Hereditary breast cancer; hereditary breast carcinoma. Identifiers: Orphanet 227535, MedGen C0346153, MONDO:0016419, OMIM 114480. Disease mechanism: loss of function.

Submissions (2):

Ambry Genetics
Classification: Pathogenic for Hereditary cancer-predisposing syndrome. Last evaluated: 2026-06-05. Review status: criteria provided, single submitter. Criteria: Ambry Variant Classification Scheme 2023. Collection method: clinical testing. Allele origin: germline.
Comment: The c.50_62del13 pathogenic mutation, located in coding exon 1 of the BARD1 gene, results from a deletion of 13 nucleotides at nucleotide positions 50 to 62, causing a translational frameshift with a predicted alternate stop codon (p.G17Vfs*37). This variant is considered to be rare based on population cohorts in the Genome Aggregation Database (gnomAD). This alteration is expected to result in loss of function by premature protein truncation or nonsense-mediated mRNA decay. As such, this alteration is interpreted as a disease-causing mutation.

Myriad Genetics, Inc.
Classification: Pathogenic for Familial cancer of breast. Last evaluated: 2023-05-17. Review status: criteria provided, single submitter. Criteria: Myriad Autosomal Dominant, Autosomal Recessive and X-Linked Classification Criteria (2023). Collection method: clinical testing. Allele origin: unknown.
Comment: This variant is considered pathogenic. This variant creates a frameshift predicted to result in premature protein truncation.

NM_000465.4(BARD1):c.50_62del (p.Gly17fs)

Gene: BARD1 (BRCA1 associated RING domain 1; minus strand). Cytogenetic location: 2q35.
Variant type: Deletion.
Coding change: c.50_62del on transcript NM_000465.4 (MANE Select); coding-DNA positions 50 to 62, 13 bases deleted (GGAACGAGCCTCG).
Protein change: p.Gly17fs; shifts the reading frame from glycine 17.
Molecular consequence: frameshift variant. On other transcripts: non-coding transcript variant (3).
Genome position (GRCh38, 1-based): chr2:214,809,508-214,809,520, CGAGGCTCGTTCC deleted on the plus strand (GGAACGAGCCTCG on the coding strand, the reverse complement: BARD1 is on the minus strand); deleting any 13 consecutive bases within chr2:214,809,508-214,809,522 gives the same sequence; the c. name uses the placement nearest the transcript's 3' end. VCF-style (leftmost placement, unchanged base first): chr2-214809507-ACGAGGCTCGTTCC-A. GRCh37 (hg19) VCF-style: chr2-215674231-ACGAGGCTCGTTCC-A.
Other names: c.50_62del, p.Gly17fs (NM_001282543.2, NM_001282545.2, NM_001282548.2 and 1 more transcripts); c.50_62del13 (NM_000465.2); short protein forms G17fs.
Identifiers: ClinVar variation 2584316 (VCV002584316.3), dbSNP rs1696468736, ClinGen allele CA1327085207.